The following is an entry in ClinVar:

ClinVar aggregate classification (germline): Pathogenic (1 of 4 stars; one submission).

Conditions:
Multiple sulfatase deficiency (MSD). Also called: Mucosulfatidosis; Multiple Sulfatase Deficiency Disease; Sulfatidosis, Juvenile, Austin Type. Identifiers: Orphanet 585, MedGen C0268263, MONDO:0010088, OMIM 272200.

Submission:

Labcorp Genetics (formerly Invitae), Labcorp
Classification: Pathogenic for Multiple sulfatase deficiency. Last evaluated: 2022-12-21. Review status: criteria provided, single submitter. Criteria: Invitae Variant Classification Sherloc (09022015). Collection method: clinical testing. Allele origin: germline.
Comment: For these reasons, this variant has been classified as Pathogenic. Algorithms developed to predict the effect of sequence changes on RNA splicing suggest that this variant may disrupt the consensus splice site. This variant has not been reported in the literature in individuals affected with SUMF1-related conditions. This variant is not present in population databases (gnomAD no frequency). This sequence change creates a premature translational stop signal (p.Gln262*) in the SUMF1 gene. It is expected to result in an absent or disrupted protein product. Loss-of-function variants in SUMF1 are known to be pathogenic (PMID: 12757705, 12757706, 25885655).

Literature cited by the submitters: PubMed 12757705; PubMed 12757706; PubMed 25885655.

NM_182760.4(SUMF1):c.784C>T (p.Gln262Ter)

Gene: SUMF1 (sulfatase modifying factor 1; minus strand). Cytogenetic location: 3p26.1.
Variant type: single nucleotide variant.
Coding change: c.784C>T on transcript NM_182760.4 (MANE Select); coding-DNA position 784, C replaced by T.
Protein change: p.Gln262Ter; replaces glutamine 262 with a stop codon.
Molecular consequence: nonsense.
Genome position (GRCh38, 1-based): chr3:4,417,184, G>A on the plus strand (C>T on the coding strand, the complement: SUMF1 is on the minus strand). VCF-style: chr3-4417184-G-A. GRCh37 (hg19) VCF-style: chr3-4458868-G-A.
Other names: c.709C>T, p.Gln237Ter (NM_001164674.2); c.784C>T, p.Gln262Ter (NM_001164675.2); short protein forms Q237*, Q262*.
Identifiers: ClinVar variation 2973324 (VCV002973324.3), dbSNP rs2469853388, ClinGen allele CA351632085.
Genomic context (GRCh38, chr3:4,417,184, plus strand): 5'-TCACAGGCGCAGTTCCTTGGAAGCCATCCTCACCAGTGTTGGTCACCGGAAACTCGCCCT[G>A]CCAAATGTTGGCATAATGCTGGCCTTTGGGCTGCAGTTTGTTGCCCCAGGGGAAAAGTCT-3'